The following is an entry in ClinVar:

ClinVar aggregate classification (germline): Benign/Likely benign. Review status: criteria provided, multiple submitters, no conflicts (2 of 4 stars). 13 submissions from 13 submitters: Benign (7); Likely benign (3). 3 of the submissions do not count toward it. Last evaluated 2026-09-01.

Conditions:
Nemaline myopathy 2 (NEM2). Also called: Nemaline myopathy 2, autosomal recessive. Identifiers: MedGen C1850569, MONDO:0009725, OMIM 256030.

Allele frequency attached by ClinVar (database versions not stated): 1000 Genomes Project 30x 0.00156; 1000 Genomes Project 0.00180; TOPMed 0.00576; gnomAD exomes 0.00649 and 0.00870; ExAC 0.00655; gnomAD 0.00665 and 0.00681; ESP Exome Variant Server 0.00720.
gnomAD v4.1: 13,640 of 1,612,676 alleles (0.85%); highest among the groups gnomAD compares: Non-Finnish European, 1%; 76 homozygotes.

Submissions (13):

CeGaT Center for Human Genetics Tuebingen
Classification: Benign. Last evaluated: 2026-09-01. Review status: criteria provided, single submitter. Criteria: CeGaT Center For Human Genetics Tuebingen Variant Classification Criteria Version 2. Collection method: clinical testing. Allele origin: germline. Affected: yes. Observed: 32 variant alleles.
Comment: NEB: BS1, BS2

Labcorp Genetics (formerly Invitae), Labcorp
Classification: Benign for Nemaline myopathy 2. Last evaluated: 2026-02-04. Review status: criteria provided, single submitter. Criteria: Invitae Variant Classification Sherloc (09022015). Collection method: clinical testing. Allele origin: germline.

Blueprint Genetics
Classification: Likely benign. Last evaluated: 2024-11-22. Review status: criteria provided, single submitter. Criteria: ACMG Guidelines, 2015. Collection method: clinical testing. Allele origin: germline.

Athena Diagnostics
Classification: Benign. Last evaluated: 2019-05-07. Review status: criteria provided, single submitter. Criteria: Athena Diagnostics Criteria. Collection method: clinical testing. Allele origin: germline.

Illumina Laboratory Services, Illumina
Classification: Likely benign for Nemaline myopathy 2. Last evaluated: 2018-01-13. Review status: criteria provided, single submitter. Criteria: ICSL Variant Classification Criteria 13 December 2019. Collection method: clinical testing. Allele origin: germline.
Comment: This variant was observed in the ICSL laboratory as part of a predisposition screen in an ostensibly healthy population. It had not been previously curated by ICSL or reported in the Human Gene Mutation Database (HGMD: prior to June 1st, 2018), and was therefore a candidate for classification through an automated scoring system. Utilizing variant allele frequency, disease prevalence and penetrance estimates, and inheritance mode, an automated score was calculated to assess if this variant is too frequent to cause the disease. Based on the score and internal cut-off values, a variant classified as likely benign is not then subjected to further curation. The score for this variant resulted in a classification of likely benign for this disease.

GeneDx
Classification: Benign. Last evaluated: 2016-08-03. Review status: criteria provided, single submitter. Criteria: GeneDx Variant Classification (06012015). Collection method: clinical testing. Allele origin: germline. Affected: yes.
Comment: This variant is considered likely benign or benign based on one or more of the following criteria: it is a conservative change, it occurs at a poorly conserved position in the protein, it is predicted to be benign by multiple in silico algorithms, and/or has population frequency not consistent with disease.

Genetic Services Laboratory, University of Chicago
Classification: Benign. Last evaluated: 2014-04-29. Review status: criteria provided, single submitter. Criteria: ACMG Guidelines, 2007. Collection method: clinical testing. Allele origin: germline.

Eurofins Ntd Llc (ga)
Classification: Benign. Last evaluated: 2013-03-12. Review status: criteria provided, single submitter. Criteria: EGL Classification Definitions 2015. Collection method: clinical testing. Allele origin: germline. Observed: 2 variant alleles, 2 heterozygotes.

Breakthrough Genomics
Classification: Likely benign. Review status: criteria provided, single submitter. Criteria: ACMG Guidelines, 2015. Collection method: not provided. Allele origin: germline. Inheritance: Autosomal recessive inheritance. Affected: yes.

PreventionGenetics, part of Exact Sciences
Classification: Benign. Review status: criteria provided, single submitter. Criteria: ACMG Guidelines, 2015. Collection method: clinical testing. Allele origin: germline.

Natera, Inc.
Classification: Likely benign for Nemaline myopathy type 2. Last evaluated: 2019-12-05. Review status: no assertion criteria provided. Collection method: clinical testing. Allele origin: germline. Not counted in ClinVar's aggregate classification.

Genome Diagnostics Laboratory, University Medical Center Utrecht
Classification: Benign. Review status: no assertion criteria provided. Collection method: clinical testing. Allele origin: germline. Affected: yes. Study: VKGL Data-share Consensus. Not counted in ClinVar's aggregate classification.

Laboratory of Diagnostic Genome Analysis, Leiden University Medical Center (LUMC)
Classification: Likely benign. Review status: no assertion criteria provided. Collection method: clinical testing. Allele origin: germline. Affected: yes. Study: VKGL Data-share Consensus. Not counted in ClinVar's aggregate classification.

Literature cited by the submitters: PubMed 25205138 (cited by Athena Diagnostics).

NM_001164508.2(NEB):c.3191A>G (p.Tyr1064Cys)

Gene: NEB (nebulin; minus strand). Cytogenetic location: 2q23.3.
Variant type: single nucleotide variant.
Coding change: c.3191A>G on transcript NM_001164508.2 (MANE Select); coding-DNA position 3191, A replaced by G.
Protein change: p.Tyr1064Cys; replaces tyrosine 1064 with cysteine.
Molecular consequence: missense variant.
Genome position (GRCh38, 1-based): chr2:151,679,785, T>C on the plus strand (A>G on the coding strand, the complement: NEB is on the minus strand). VCF-style: chr2-151679785-T-C. GRCh37 (hg19) VCF-style: chr2-152536299-T-C.
Other names: c.3191A>G, p.Tyr1064Cys (NM_001164507.2, NM_001271208.2, NM_004543.5); short protein forms Y1064C.
Identifiers: ClinVar variation 95129 (VCV000095129.55), dbSNP rs187343008, ClinGen allele CA148234.